The following is an entry in ClinVar:

NM_000057.4(BLM):c.3017T>C (p.Met1006Thr)

Gene: BLM (BLM RecQ like helicase; plus strand). Cytogenetic location: 15q26.1.
Variant type: single nucleotide variant.
Coding change: c.3017T>C on transcript NM_000057.4 (MANE Select); coding-DNA position 3017, T replaced by C.
Protein change: p.Met1006Thr; replaces methionine 1006 with threonine.
Molecular consequence: missense variant.
Genome position (GRCh38, 1-based): chr15:90,790,842, T>C. VCF-style: chr15-90790842-T-C. GRCh37 (hg19) VCF-style: chr15-91334072-T-C.
Other names: c.3017T>C, p.Met1006Thr (NM_001287246.2, NM_001287247.2); c.1892T>C, p.Met631Thr (NM_001287248.2); c.3017T>C (NM_000057.2); short protein forms M631T, M1006T.
Identifiers: ClinVar variation 860212 (VCV000860212.11), dbSNP rs1896890020, ClinGen allele CA393846625.

ClinVar aggregate classification (germline): Uncertain significance. Review status: criteria provided, multiple submitters, no conflicts (2 of 4 stars). 2 submissions from 2 submitters: Uncertain significance (2). Last evaluated 2024-08-12.

Conditions:
Hereditary cancer-predisposing syndrome. Also called: Tumor predisposition; Hereditary neoplastic syndrome; Neoplastic Syndromes, Hereditary; Hereditary Cancer Syndrome. Identifiers: Orphanet 140162, MedGen C0027672, MeSH D009386, MONDO:0015356.
Bloom syndrome (BLM). Also called: Bloom-Torre-Machacek syndrome. Identifiers: Orphanet 125, MedGen C0005859, MONDO:0008876, OMIM 210900.

Allele frequency attached by ClinVar (database versions not stated): gnomAD exomes below 0.00001; gnomAD 0.00001.

Submissions (2):

Ambry Genetics
Classification: Uncertain significance for Hereditary cancer-predisposing syndrome. Last evaluated: 2024-08-12. Review status: criteria provided, single submitter. Criteria: Ambry Variant Classification Scheme 2023. Collection method: clinical testing. Allele origin: germline.
Comment: The p.M1006T variant (also known as c.3017T>C), located in coding exon 14 of the BLM gene, results from a T to C substitution at nucleotide position 3017. The methionine at codon 1006 is replaced by threonine, an amino acid with similar properties. This amino acid position is conserved. In addition, this alteration is predicted to be tolerated by in silico analysis. Based on the available evidence, the clinical significance of this variant remains unclear.

Labcorp Genetics (formerly Invitae), Labcorp
Classification: Uncertain significance for Bloom syndrome. Last evaluated: 2024-04-10. Review status: criteria provided, single submitter. Criteria: Invitae Variant Classification Sherloc (09022015). Collection method: clinical testing. Allele origin: germline.
Comment: This sequence change replaces methionine, which is neutral and non-polar, with threonine, which is neutral and polar, at codon 1006 of the BLM protein (p.Met1006Thr). This variant is not present in population databases (gnomAD no frequency). This variant has not been reported in the literature in individuals affected with BLM-related conditions. ClinVar contains an entry for this variant (Variation ID: 860212). An algorithm developed to predict the effect of missense changes on protein structure and function (PolyPhen-2) suggests that this variant is likely to be tolerated. In summary, the available evidence is currently insufficient to determine the role of this variant in disease. Therefore, it has been classified as a Variant of Uncertain Significance.